The following is an entry in ClinVar:

ClinVar aggregate classification (germline): Uncertain significance (1 of 4 stars; one submission).

Submission:

Ambry Genetics
Classification: Uncertain significance. Last evaluated: 2024-02-06. Review status: criteria provided, single submitter. Criteria: Ambry Variant Classification Scheme 2023. Collection method: clinical testing. Allele origin: germline.
Comment: The p.D146Y variant (also known as c.436G>T), located in coding exon 6 of the RAD54L gene, results from a G to T substitution at nucleotide position 436. The aspartic acid at codon 146 is replaced by tyrosine, an amino acid with highly dissimilar properties. This amino acid position is conserved. In addition, this alteration is predicted to be deleterious by in silico analysis. Based on the available evidence, the clinical significance of this alteration remains unclear.

NM_003579.4(RAD54L):c.436G>T (p.Asp146Tyr)

Gene: RAD54L (RAD54 like; plus strand). Cytogenetic location: 1p34.1.
Variant type: single nucleotide variant.
Coding change: c.436G>T on transcript NM_003579.4 (MANE Select); coding-DNA position 436, G replaced by T.
Protein change: p.Asp146Tyr; replaces aspartic acid 146 with tyrosine.
Molecular consequence: missense variant. On other transcripts: 5 prime UTR variant (1).
Genome position (GRCh38, 1-based): chr1:46,260,570, G>T. VCF-style: chr1-46260570-G-T. GRCh37 (hg19) VCF-style: chr1-46726242-G-T.
Other names: c.436G>T, p.Asp146Tyr (NM_001142548.2); c.-105G>T (NM_001370766.1); short protein forms D146Y.
Identifiers: ClinVar variation 3223443 (VCV003223443.1), dbSNP rs1194961909, ClinGen allele CA340184827.